The following is an entry in ClinVar:

ClinVar aggregate classification (germline): Uncertain significance (1 of 4 stars; one submission).

gnomAD v4.1: 2 of 1,614,242 alleles (0.00012%); highest among the groups gnomAD compares: Non-Finnish European, 0.00017%; no homozygotes.

Submission:

Labcorp Genetics (formerly Invitae), Labcorp
Classification: Uncertain significance. Last evaluated: 2024-03-12. Review status: criteria provided, single submitter. Criteria: Invitae Variant Classification Sherloc (09022015). Collection method: clinical testing. Allele origin: germline.
Comment: This sequence change replaces leucine, which is neutral and non-polar, with proline, which is neutral and non-polar, at codon 202 of the NIN protein (p.Leu202Pro). This variant is present in population databases (rs762915870, gnomAD 0.0009%). This variant has not been reported in the literature in individuals affected with NIN-related conditions. An algorithm developed to predict the effect of missense changes on protein structure and function (PolyPhen-2) suggests that this variant is likely to be disruptive. In summary, the available evidence is currently insufficient to determine the role of this variant in disease. Therefore, it has been classified as a Variant of Uncertain Significance.

NM_020921.4(NIN):c.605T>C (p.Leu202Pro)

Gene: NIN (ninein; minus strand). Cytogenetic location: 14q22.1.
Variant type: single nucleotide variant.
Coding change: c.605T>C on transcript NM_020921.4 (MANE Select); coding-DNA position 605, T replaced by C.
Protein change: p.Leu202Pro; replaces leucine 202 with proline.
Molecular consequence: missense variant.
Genome position (GRCh38, 1-based): chr14:50,777,010, A>G on the plus strand (T>C on the coding strand, the complement: NIN is on the minus strand). VCF-style: chr14-50777010-A-G. GRCh37 (hg19) VCF-style: chr14-51243728-A-G.
Other names: c.605T>C, p.Leu202Pro (NM_016350.5, NM_182944.3, NM_182946.2); short protein forms L202P.
Identifiers: ClinVar variation 3645552 (VCV003645552.2).